The following is an entry in ClinVar:

ClinVar aggregate classification (germline): Likely benign (1 of 4 stars; one submission).

gnomAD v4.1: 16 of 1,613,918 alleles (0.00099%); highest among the groups gnomAD compares: Non-Finnish European, 0.0014%; no homozygotes.

Submission:

CeGaT Center for Human Genetics Tuebingen
Classification: Likely benign. Last evaluated: 2024-10-01. Review status: criteria provided, single submitter. Criteria: CeGaT Center For Human Genetics Tuebingen Variant Classification Criteria Version 2. Collection method: clinical testing. Allele origin: germline. Affected: yes. Observed: 1 variant allele.
Comment: SCN2A: BP4, BP7

NM_001040142.2(SCN2A):c.5664C>T (p.Pro1888=)

Gene: SCN2A (sodium voltage-gated channel alpha subunit 2; plus strand). Cytogenetic location: 2q24.3.
Variant type: single nucleotide variant.
Coding change: c.5664C>T on transcript NM_001040142.2 (MANE Select); coding-DNA position 5664, C replaced by T.
Protein change: p.Pro1888=; no amino-acid change (proline 1888 retained).
Molecular consequence: synonymous variant.
Genome position (GRCh38, 1-based): chr2:165,389,470, C>T. VCF-style: chr2-165389470-C-T. GRCh37 (hg19) VCF-style: chr2-166245980-C-T.
Other names: c.5664C>T, p.Pro1888= (NM_001040143.2, NM_001371246.1, NM_001371247.1 and 1 more transcripts).
Identifiers: ClinVar variation 3389139 (VCV003389139.14).
Genomic context (GRCh38, chr2:165,389,470, plus strand): 5'-GAGTGGAGAGATGGATGCCCTTCGAATACAGATGGAAGAGCGATTCATGGCATCAAACCC[C>T]TCCAAAGTCTCTTATGAGCCCATTACGACCACGTTGAAACGCAAACAAGAGGAGGTGTCT-3'
Protein context (NP_001035232.1, residues 1878-1898): QMEERFMASN[Pro1888=]SKVSYEPITT